The following is an entry in ClinVar:

NM_014915.3(ANKRD26):c.4600G>A (p.Glu1534Lys)

Gene: ANKRD26 (ankyrin repeat domain 26; minus strand). Cytogenetic location: 10p12.1.
Variant type: single nucleotide variant.
Coding change: c.4600G>A on transcript NM_014915.3 (MANE Select); coding-DNA position 4600, G replaced by A.
Protein change: p.Glu1534Lys; replaces glutamic acid 1534 with lysine.
Molecular consequence: missense variant.
Genome position (GRCh38, 1-based): chr10:27,014,618, C>T on the plus strand (G>A on the coding strand, the complement: ANKRD26 is on the minus strand). VCF-style: chr10-27014618-C-T. GRCh37 (hg19) VCF-style: chr10-27303547-C-T.
Other names: c.4597G>A, p.Glu1533Lys (NM_001256053.2); short protein forms E1533K, E1534K.
Identifiers: ClinVar variation 1717491 (VCV001717491.6), dbSNP rs1042409642, ClinGen allele CA204434121.
Genomic context (GRCh38, chr10:27,014,618, plus strand): 5'-TTTCCAGTTCGGTTTTATTAAAGTCTTCTTGAGAAGTTTTTATTTTGGAGAGTTCAGATT[C>T]CAGATCTTTAATTCTGAGTTCCATCTGACTTTTCATTGAAGCAAAATTATTCTCTCTAAA-3'
Protein context (NP_055730.2, residues 1524-1544): SQMELRIKDL[Glu1534Lys]SELSKIKTSQ

ClinVar aggregate classification (germline): Uncertain significance. Review status: criteria provided, multiple submitters, no conflicts (2 of 4 stars). 2 submissions from 2 submitters: Uncertain significance (2). Last evaluated 2025-10-08.

Conditions:
Inborn genetic diseases. Identifiers: MedGen C0950123, MeSH D030342.

Allele frequency attached by ClinVar (database versions not stated): TOPMed below 0.00001; gnomAD 0.00001; gnomAD exomes 0.00001.
gnomAD v4.1: 9 of 1,592,226 alleles (0.00057%); highest among the groups gnomAD compares: African/African-American, 0.0014%; no homozygotes.

Submissions (2):

Ambry Genetics
Classification: Uncertain significance for Inborn genetic diseases. Last evaluated: 2025-10-08. Review status: criteria provided, single submitter. Criteria: Ambry Variant Classification Scheme 2023. Collection method: clinical testing. Allele origin: germline.
Comment: The p.E1534K variant (also known as c.4600G>A), located in coding exon 31 of the ANKRD26 gene, results from a G to A substitution at nucleotide position 4600. The glutamic acid at codon 1534 is replaced by lysine, an amino acid with similar properties. This amino acid position is conserved. In addition, this alteration is predicted to be tolerated by in silico analysis. Based on the available evidence, the clinical significance of this variant remains unclear.

Labcorp Genetics (formerly Invitae), Labcorp
Classification: Uncertain significance. Last evaluated: 2025-02-06. Review status: criteria provided, single submitter. Criteria: Invitae Variant Classification Sherloc (09022015). Collection method: clinical testing. Allele origin: germline.
Comment: This sequence change replaces glutamic acid, which is acidic and polar, with lysine, which is basic and polar, at codon 1534 of the ANKRD26 protein (p.Glu1534Lys). This variant is present in population databases (no rsID available, gnomAD 0.0009%). This variant has not been reported in the literature in individuals affected with ANKRD26-related conditions. ClinVar contains an entry for this variant (Variation ID: 1717491). An algorithm developed to predict the effect of missense changes on protein structure and function (PolyPhen-2) suggests that this variant is likely to be disruptive. In summary, the available evidence is currently insufficient to determine the role of this variant in disease. Therefore, it has been classified as a Variant of Uncertain Significance.